The following is an entry in ClinVar:

ClinVar aggregate classification (germline): Conflicting classifications of pathogenicity. Review status: criteria provided, conflicting classifications (1 of 4 stars). 4 submissions from 4 submitters: Uncertain significance (1); Likely benign (3). Last evaluated 2026-01-28.

Conditions:
ABCG8-related disorder. Also called: ABCG8-related condition.

Allele frequency attached by ClinVar (database versions not stated): gnomAD 0.00001 and 0.00004; TOPMed 0.00001; gnomAD exomes 0.00009 and 0.00018; ExAC 0.00015; 1000 Genomes Project 30x 0.00016; 1000 Genomes Project 0.00020.
gnomAD v4.1: 142 of 1,613,076 alleles (0.0088%); highest among the groups gnomAD compares: South Asian, 0.13%; 2 homozygotes.

Submissions (4):

PreventionGenetics, part of Exact Sciences
Classification: Likely benign for ABCG8-related condition. Last evaluated: 2026-01-28. Review status: criteria provided, single submitter. Criteria: ACMG Guidelines, 2015. Collection method: clinical testing. Allele origin: germline.
Comment: This variant is classified as likely benign based on ACMG/AMP sequence variant interpretation guidelines (Richards et al. 2015 PMID: 25741868, with internal and published modifications).

Labcorp Genetics (formerly Invitae), Labcorp
Classification: Likely benign. Last evaluated: 2025-12-21. Review status: criteria provided, single submitter. Criteria: Invitae Variant Classification Sherloc (09022015). Collection method: clinical testing. Allele origin: germline.

Mayo Clinic Laboratories, Mayo Clinic
Classification: Likely benign. Last evaluated: 2024-12-09. Review status: criteria provided, single submitter. Criteria: ACMG Guidelines, 2015. Collection method: clinical testing. Allele origin: germline. Observed: 3 variant alleles.
Comment: BP4, BP7

Eurofins Ntd Llc (ga)
Classification: Uncertain significance. Last evaluated: 2018-02-09. Review status: criteria provided, single submitter. Criteria: EGL ClinVar v180209 classification definitions. Collection method: clinical testing. Allele origin: germline. Observed: 2 variant alleles, 2 heterozygotes.

NM_022437.3(ABCG8):c.1211+7A>T

Gene: ABCG8 (ATP binding cassette subfamily G member 8; plus strand). Cytogenetic location: 2p21.
Variant type: single nucleotide variant.
Coding change: c.1211+7A>T on transcript NM_022437.3 (MANE Select); 7 bases into the intron after coding-DNA position 1211, A replaced by T.
Molecular consequence: intron variant.
Genome position (GRCh38, 1-based): chr2:43,872,313, A>T. VCF-style: chr2-43872313-A-T. GRCh37 (hg19) VCF-style: chr2-44099452-A-T.
Other names: p.?; c.1208+7A>T (NM_001357321.2); c.1211+7A>T (NM_022437.2).
Identifiers: ClinVar variation 593889 (VCV000593889.11), dbSNP rs568899040, ClinGen allele CA1637341.